The following is an entry in ClinVar:

ClinVar aggregate classification (germline): Uncertain significance. Review status: criteria provided, multiple submitters, no conflicts (2 of 4 stars). 3 submissions from 3 submitters: Uncertain significance (2). 1 of the submissions does not count toward it. Last evaluated 2022-05-12.

Conditions:
Dyskeratosis congenita, autosomal dominant 1 (DKCA1). Also called: Dyskeratosis congenita Scoggins type. Identifiers: Orphanet 1775, MedGen C4551974, MONDO:0007485, OMIM 127550. Inheritance: Variable.

Submissions (3):

Mayo Clinic Laboratories, Mayo Clinic
Classification: Uncertain significance. Last evaluated: 2022-05-12. Review status: criteria provided, single submitter. Criteria: ACMG Guidelines, 2015. Collection method: clinical testing. Allele origin: germline. Observed: 1 variant allele.
Comment: PM2_supporting

Labcorp Genetics (formerly Invitae), Labcorp
Classification: Uncertain significance for Dyskeratosis congenita, autosomal dominant 1. Last evaluated: 2021-04-26. Review status: criteria provided, single submitter. Criteria: Invitae Variant Classification Sherloc (09022015). Collection method: clinical testing. Allele origin: germline.
Comment: This variant is not present in population databases (ExAC no frequency). In summary, the available evidence is currently insufficient to determine the role of this variant in disease. Therefore, it has been classified as a Variant of Uncertain Significance. This variant is located within the template/pseudoknot domain of the TERC RNA component, which is required for RNA or RNP stability (PMID: 15082312, 21844345). A significant number of previously reported TERC mutations are found in this domain (PMID: 15082312, 21844345, 21931702). These observations suggest that this may be a clinically significant region. This variant has not been reported in the literature in individuals with TERC-related conditions. This variant occurs in the TERC gene, which encodes an RNA molecule that does not result in a protein product.

Genetic Services Laboratory, University of Chicago
Classification: Uncertain significance. Last evaluated: 2022-08-29. Review status: no assertion criteria provided. Collection method: clinical testing. Allele origin: germline. Affected: no. Not counted in ClinVar's aggregate classification.
Comment: DNA sequence analysis of the TERC gene demonstrated a sequence change in exon 1, n.66C>T. This change does not appear to have been previously described in individuals with TERC-related disorders and has also not been described in population databases such as ExAC and gnomAD. It is possible that this sequence change represents a benign sequence change in the TERC gene that has not been identified to date. The functional significance of this sequence change is not known at present and its contribution to this individual's disease phenotype cannot definitively be determined.

Literature cited by the submitters: PubMed 15082312 (cited by Labcorp Genetics (formerly Invitae), Labcorp); PubMed 21844345 (cited by Labcorp Genetics (formerly Invitae), Labcorp); PubMed 21931702 (cited by Labcorp Genetics (formerly Invitae), Labcorp).

NR_001566.3(TERC):n.66C>T

Genes: TERC (telomerase RNA component; minus strand), LOC110806306 (telomerase RNA component (TERC) promoter; plus strand). Cytogenetic location: 3q26.2.
Variant type: single nucleotide variant.
Genome position: GRCh38 VCF-style: chr3-169764995-G-A. GRCh37 (hg19) VCF-style: chr3-169482783-G-A.
Identifiers: ClinVar variation 1348970 (VCV001348970.10), dbSNP rs1577384356, ClinGen allele CA436715906.